The following is an entry in ClinVar:

ClinVar aggregate classification (germline): Uncertain significance (1 of 4 stars; one submission).

Allele frequency attached by ClinVar (database versions not stated): TOPMed 0.00002.

Submission:

Labcorp Genetics (formerly Invitae), Labcorp
Classification: Uncertain significance. Last evaluated: 2021-04-27. Review status: criteria provided, single submitter. Criteria: Invitae Variant Classification Sherloc (09022015). Collection method: clinical testing. Allele origin: germline.
Comment: In summary, the available evidence is currently insufficient to determine the role of this variant in disease. Therefore, it has been classified as a Variant of Uncertain Significance. Algorithms developed to predict the effect of missense changes on protein structure and function are either unavailable or do not agree on the potential impact of this missense change (SIFT: "Deleterious"; PolyPhen-2: "Benign"; Align-GVGD: "Class C0"). This variant has not been reported in the literature in individuals with PDX1-related conditions. The frequency data for this variant in the population databases is considered unreliable, as metrics indicate insufficient coverage at this position in the ExAC database. This sequence change replaces proline with arginine at codon 244 of the PDX1 protein (p.Pro244Arg). The proline residue is moderately conserved and there is a moderate physicochemical difference between proline and arginine.

NM_000209.4(PDX1):c.731C>G (p.Pro244Arg)

Gene: PDX1 (pancreatic and duodenal homeobox 1; plus strand). Cytogenetic location: 13q12.2.
Variant type: single nucleotide variant.
Coding change: c.731C>G on transcript NM_000209.4 (MANE Select); coding-DNA position 731, C replaced by G.
Protein change: p.Pro244Arg; replaces proline 244 with arginine.
Molecular consequence: missense variant.
Genome position (GRCh38, 1-based): chr13:27,924,580, C>G. VCF-style: chr13-27924580-C-G. GRCh37 (hg19) VCF-style: chr13-28498717-C-G.
Other names: short protein forms P244R.
Identifiers: ClinVar variation 1349389 (VCV001349389.8), dbSNP rs956678834, ClinGen allele CA247265560.